The following is an entry in ClinVar:

NM_005629.4(SLC6A8):c.611_612delinsAC (p.Ala204Asp)

Gene: SLC6A8 (solute carrier family 6 member 8; plus strand). Cytogenetic location: Xq28.
Variant type: Indel.
Coding change: c.611_612delinsAC on transcript NM_005629.4 (MANE Select); coding-DNA positions 611 to 612, CT replaced by AC.
Protein change: p.Ala204Asp; replaces alanine 204 with aspartic acid.
Molecular consequence: missense variant.
Genome position (GRCh38, 1-based): chrX:153,691,520-153,691,521, CT replaced by AC. VCF-style: chrX-153691520-CT-AC. GRCh37 (hg19) VCF-style: chrX-152956975-CT-AC.
Other names: NM_005629.4(SLC6A8):c.611_612delinsAC; p.Ala204Asp; c.611_612delinsAC, p.Ala204Asp (NM_001142805.2); c.266_267delinsAC, p.Ala89Asp (NM_001142806.1); short protein forms A204D, A89D.
Identifiers: ClinVar variation 588254 (VCV000588254.18), dbSNP rs1569539288, ClinGen allele CA891843978.

ClinVar aggregate classification (germline): Uncertain significance. Review status: reviewed by expert panel (3 of 4 stars). 6 submissions from 6 submitters: Uncertain significance (1). 5 of the submissions do not count toward it. Last evaluated 2026-09-15.

Conditions:
Inborn genetic diseases. Identifiers: MedGen C0950123, MeSH D030342.
Creatine transporter deficiency (CCDS1). Also called: Creatine Transporter (CRTR) Deficiency; Mental retardation , X-linked with seizures, short stature and midface hypoplasia; Mental retardation , X-linked, with creatine transport deficiency; X-linked creatine transporter deficiency; X-linked creatine deficiency syndrome; SLC6A8-Related Creatine Transporter Deficiency. Identifiers: Orphanet 52503, MedGen C1845862, MONDO:0010305, OMIM 300352.

Submissions (6):

ClinGen Cerebral Creatine Deficiency Syndromes Variant Curation Expert Panel, ClinGen
Classification: Uncertain significance for Creatine transporter deficiency. Last evaluated: 2026-09-15. Review status: reviewed by expert panel. Criteria: ClinGen CCDS ACMG Specifications SLC6A8 V2.1. Collection method: curation. Allele origin: germline. Inheritance: X-linked inheritance.
Comment: The NM_005629.4:c.611_612delinsAC variant in SLC6A8 is a multi-nucleotide variant that replaces CT with AC, resulting in the substitution of an alanine by an aspartate at amino acid position 204 (p.Ala204Asp). To our knowledge, this variant has not been reported in the literature and no functional studies are available. Note that this is a multi-nucleotide variant. The highest population minor allele frequency in gnomAD v4.1.0. is 0.0001736 (8/46075 alleles, no hemizygotes) in the Admixed American population (read data confirm that this variant changes CT>AC), which is higher than the ClinGen CCDS VCEP's threshold for PM2_Supporting (<0.00002) but lower than the threshold for BS1 (>0.0002). Therefore, none of the population codes are met. The computational predictor REVEL gives a score of 0.148 for the Ala204Asp substitution (BP4). There is a ClinVar entry for this variant (Variation ID: 588254). In summary, this variant meets criteria to be classified as a variant of uncertain significance for creatine transporter deficiency. SLC6A8-specific criteria applied, as specified by the ClinGen CCDS VCEP (Specifications Version 2.1.0.): BP4. (Classification approved by the ClinGen Cerebral Creatine Deficiency Syndromes Variant Curation Expert Panel on September 15, 2026)

CeGaT Center for Human Genetics Tuebingen
Classification: Uncertain significance. Last evaluated: 2026-08-01. Review status: criteria provided, single submitter. Criteria: CeGaT Center For Human Genetics Tuebingen Variant Classification Criteria Version 2. Collection method: clinical testing. Allele origin: germline. Affected: yes. Observed: 1 variant allele. Not counted in ClinVar's aggregate classification.
Comment: SLC6A8: PM2, PP2

Labcorp Genetics (formerly Invitae), Labcorp
Classification: Likely benign for Creatine transporter deficiency. Last evaluated: 2025-10-26. Review status: criteria provided, single submitter. Criteria: Invitae Variant Classification Sherloc (09022015). Collection method: clinical testing. Allele origin: germline. Not counted in ClinVar's aggregate classification.

Women's Health and Genetics/Laboratory Corporation of America, LabCorp
Classification: Uncertain significance. Last evaluated: 2024-04-09. Review status: criteria provided, single submitter. Criteria: LabCorp Variant Classification Summary - May 2015. Collection method: clinical testing. Allele origin: germline. Not counted in ClinVar's aggregate classification.
Comment: Variant summary: SLC6A8 c.611_612delinsAC (p.Ala204Asp) results in a non-conservative amino acid change in the encoded protein sequence. Four of five in-silico tools predict a benign effect of the variant on protein function. The variant allele was found at a frequency of 1.1e-05 in 182960 control chromosomes (gnomAD). The available data on variant occurrences in the general population are insufficient to allow any conclusion about variant significance. c.611_612delinsAC has been reported in the literature in a hemizygous infant undergoing neonatal screening for a suspected genetic disorder (Maron_2023). This report does not provide unequivocal conclusions about association of the variant with Creatine Deficiency, X-Linked. To our knowledge, no experimental evidence demonstrating an impact on protein function has been reported. The following publication has been ascertained in the context of this evaluation (PMID: 37432431). ClinVar contains an entry for this variant (Variation ID: 588254). Based on the evidence outlined above, the variant was classified as uncertain significance.

Athena Diagnostics
Classification: Uncertain significance. Last evaluated: 2020-06-05. Review status: criteria provided, single submitter. Criteria: Athena Diagnostics Criteria. Collection method: clinical testing. Allele origin: unknown. Not counted in ClinVar's aggregate classification.
Comment: This observation is not an independent occurrence and has been identified in the same individual by RCIGM, the other laboratory participating in the GEMINI study.

Ambry Genetics
Classification: Uncertain significance for Inborn genetic diseases. Last evaluated: 2016-09-08. Review status: criteria provided, single submitter. Criteria: Ambry Variant Classification Scheme 2023. Collection method: clinical testing. Allele origin: germline. Not counted in ClinVar's aggregate classification.
Comment: The c.611_612delCTinsAC variant (also known as p.A204D), located in coding exon 3 of the SLC6A8 gene, results from a deletion of CT and insertion of AC at nucleotide positions 611 to 612. This results in the substitution of the alanine residue for an aspartic acid residue at codon 204, an amino acid with dissimilar properties. This variant was not reported in population based cohorts in the following databases: Database of Single Nucleotide Polymorphisms (dbSNP), NHLBI Exome Sequencing Project (ESP), and 1000 Genomes Project. In the ESP, this variant was not observed in 6503 samples with coverage at this position. This amino acid position is not well conserved in available vertebrate species. Since supporting evidence is limited at this time, the clinical significance of this alteration remains unclear.

Literature cited by the submitters: PubMed 37432431 (cited by Women's Health and Genetics/Laboratory Corporation of America, LabCorp).